The following is an entry in ClinVar:

NM_004304.5(ALK):c.3653C>G (p.Pro1218Arg)

Gene: ALK (ALK receptor tyrosine kinase; minus strand). Cytogenetic location: 2p23.2.
Variant type: single nucleotide variant.
Coding change: c.3653C>G on transcript NM_004304.5 (MANE Select); coding-DNA position 3653, C replaced by G.
Protein change: p.Pro1218Arg; replaces proline 1218 with arginine.
Molecular consequence: missense variant.
Genome position (GRCh38, 1-based): chr2:29,214,074, G>C on the plus strand (C>G on the coding strand, the complement: ALK is on the minus strand). VCF-style: chr2-29214074-G-C. GRCh37 (hg19) VCF-style: chr2-29436940-G-C.
Other names: c.449C>G, p.Pro150Arg (NM_001353765.2); short protein forms P1218R, P150R.
Identifiers: ClinVar variation 1006263 (VCV001006263.8), dbSNP rs1159709305, ClinGen allele CA346471662.

ClinVar aggregate classification (germline): Uncertain significance (1 of 4 stars; one submission).

Conditions:
Neuroblastoma, susceptibility to, 3. Also called: ALK-Related Neuroblastic Tumor Susceptibility. Identifiers: Orphanet 635, MedGen C2751681, MONDO:0013083, OMIM 613014.

Submission:

Labcorp Genetics (formerly Invitae), Labcorp
Classification: Uncertain significance for Neuroblastoma, susceptibility to, 3. Last evaluated: 2024-04-16. Review status: criteria provided, single submitter. Criteria: Invitae Variant Classification Sherloc (09022015). Collection method: clinical testing. Allele origin: germline.
Comment: This sequence change replaces proline, which is neutral and non-polar, with arginine, which is basic and polar, at codon 1218 of the ALK protein (p.Pro1218Arg). This variant is not present in population databases (gnomAD no frequency). This variant has not been reported in the literature in individuals affected with ALK-related conditions. ClinVar contains an entry for this variant (Variation ID: 1006263). An algorithm developed to predict the effect of missense changes on protein structure and function (PolyPhen-2) suggests that this variant is likely to be disruptive. In summary, the available evidence is currently insufficient to determine the role of this variant in disease. Therefore, it has been classified as a Variant of Uncertain Significance.